The following is an entry in ClinVar:

NM_000179.3(MSH6):c.3939_3959dup (p.Gln1314_Ala1320dup)

Gene: MSH6 (mutS homolog 6; plus strand). Cytogenetic location: 2p16.3.
Variant type: Duplication.
Coding change: c.3939_3959dup on transcript NM_000179.3 (MANE Select); coding-DNA positions 3939 to 3959, 21 bases duplicated (TCAAAAGGGACATAGAAAAGC).
Protein change: p.Gln1314_Ala1320dup.
Molecular consequence: inframe insertion.
Genome position (GRCh38, 1-based): chr2:47,806,589-47,806,609, TCAAAAGGGACATAGAAAAGC duplicated. VCF-style (leftmost placement, unchanged base first): chr2-47806588-T-TTCAAAAGGGACATAGAAAAGC. GRCh37 (hg19) VCF-style: chr2-48033727-T-TTCAAAAGGGACATAGAAAAGC.
Other names: c.3549_3569dup, p.Gln1184_Ala1190dup (NM_001281492.2); c.3033_3053dup, p.Gln1012_Ala1018dup (NM_001281493.2, NM_001281494.2); c.3939_3959dupTCAAAAGGGACATAGAAAAGC (NM_000179.2).
Identifiers: ClinVar variation 548737 (VCV000548737.16), dbSNP rs1553333670, ClinGen allele CA658822271.

ClinVar aggregate classification (germline): Uncertain significance. Review status: criteria provided, multiple submitters, no conflicts (2 of 4 stars). 4 submissions from 4 submitters: Uncertain significance (3). 1 of the submissions does not count toward it. Last evaluated 2025-07-08.

Conditions:
Hereditary nonpolyposis colorectal neoplasms. Identifiers: MedGen C0009405, MeSH D003123.
Hereditary cancer-predisposing syndrome. Also called: Hereditary Cancer Syndrome; Hereditary neoplastic syndrome; Tumor predisposition; Neoplastic Syndromes, Hereditary. Identifiers: Orphanet 140162, MedGen C0027672, MeSH D009386, MONDO:0015356.
Lynch syndrome 5 (LYNCH5). Also called: Hereditary non-polyposis colorectal cancer, type 5; Colorectal cancer, hereditary nonpolyposis, type 5. Identifiers: Orphanet 144, MedGen C1833477, MONDO:0013710, OMIM 614350. Disease mechanism: loss of function.

Submissions (4):

Labcorp Genetics (formerly Invitae), Labcorp
Classification: Uncertain significance for Hereditary nonpolyposis colorectal neoplasms. Last evaluated: 2025-07-08. Review status: criteria provided, single submitter. Criteria: Invitae Variant Classification Sherloc (09022015). Collection method: clinical testing. Allele origin: germline.
Comment: This variant, c.3939_3959dup, results in the insertion of 7 amino acid(s) of the MSH6 protein (p.Gln1314_Ala1320dup), but otherwise preserves the integrity of the reading frame. This variant is not present in population databases (gnomAD no frequency). This variant has not been reported in the literature in individuals affected with MSH6-related conditions. ClinVar contains an entry for this variant (Variation ID: 548737). Experimental studies and prediction algorithms are not available or were not evaluated, and the functional significance of this variant is currently unknown. In summary, the available evidence is currently insufficient to determine the role of this variant in disease. Therefore, it has been classified as a Variant of Uncertain Significance.

Ambry Genetics
Classification: Uncertain significance for Hereditary cancer-predisposing syndrome. Last evaluated: 2024-02-29. Review status: criteria provided, single submitter. Criteria: Ambry Variant Classification Scheme 2023. Collection method: clinical testing. Allele origin: germline.
Comment: The c.3939_3959dup21 variant (also known as p.Q1314_A1320dup), located in coding exon 9 of the MSH6 gene, results from an in-frame duplication of 21 nucleotides at nucleotide positions 3939 to 3959. This results in the duplication of 7 extra residues (QKGHRKA) between codons 1314 and 1320. This amino acid region is well conserved through mammals but not in all available vertebrate species. Based on the available evidence, the clinical significance of this alteration remains unclear.

Myriad Genetics, Inc.
Classification: Uncertain significance for Lynch syndrome 5. Last evaluated: 2023-03-27. Review status: criteria provided, single submitter. Criteria: Myriad Autosomal Dominant, Autosomal Recessive and X-Linked Classification Criteria (2023). Collection method: clinical testing. Allele origin: unknown.
Comment: This variant is classified as a variant of uncertain significance as there is insufficient evidence to determine its impact on protein function and/or cancer risk.

Counsyl
Classification: Uncertain significance for Lynch syndrome 5. Last evaluated: 2017-04-10. Review status: no assertion criteria provided. Collection method: clinical testing. Allele origin: unknown. Not counted in ClinVar's aggregate classification.